The following is an entry in ClinVar:

NM_001347886.2(DNAH3):c.11093G>A (p.Arg3698Gln)

Gene: DNAH3 (dynein axonemal heavy chain 3; minus strand). Cytogenetic location: 16p12.3.
Variant type: single nucleotide variant.
Coding change: c.11093G>A on transcript NM_001347886.2 (MANE Select); coding-DNA position 11093, G replaced by A.
Protein change: p.Arg3698Gln; replaces arginine 3698 with glutamine.
Molecular consequence: missense variant.
Genome position (GRCh38, 1-based): chr16:20,948,595, C>T on the plus strand (G>A on the coding strand, the complement: DNAH3 is on the minus strand). VCF-style: chr16-20948595-C-T. GRCh37 (hg19) VCF-style: chr16-20959917-C-T.
Other names: c.11231G>A, p.Arg3744Gln (NM_017539.2); short protein forms R3698Q, R3744Q.
Identifiers: ClinVar variation 3774992 (VCV003774992.2).

ClinVar aggregate classification (germline): Uncertain significance (1 of 4 stars; one submission).

gnomAD v4.1: 407 of 1,613,978 alleles (0.025%); highest among the groups gnomAD compares: Non-Finnish European, 0.033%; no homozygotes.

Submission:

GeneDx
Classification: Uncertain significance. Last evaluated: 2026-06-24. Review status: criteria provided, single submitter. Criteria: GeneDx Variant Classification Process June 2021. Collection method: clinical testing. Allele origin: germline.
Comment: In silico analysis supports that this missense variant has a deleterious effect on protein structure/function; Has not been previously published as pathogenic or benign to our knowledge